The following is an entry in ClinVar:

GRCh38/hg38 1q42.3-44(chr1:235215476-247005888)x1

Genes: ACTN2 (actinin alpha 2; plus strand), ADSS2 (adenylosuccinate synthase 2; minus strand), AHCTF1 (AT-hook containing transcription factor 1; minus strand), AKT3 (AKT serine/threonine kinase 3; minus strand), AKT3-IT1 (AKT3 intronic transcript 1; minus strand) and 268 more. Cytogenetic location: 1q42.3-44.
Variant type: copy number loss.
Change: copy number 1 (one copy instead of two) of chr1:235,215,476-247,005,888 (11.79 Mb, GRCh38 coordinates, 1-based), cytogenetic band 1q42.3-44.
Identifiers: ClinVar variation 2579286 (VCV002579286.1).

ClinVar aggregate classification (germline): Pathogenic (1 of 4 stars; one submission).

Conditions:
Intellectual developmental disorder, autosomal dominant 22. Also called: Intellectual disability, autosomal dominant 22. Identifiers: MedGen CN029689, MONDO:0012869, OMIM 612337.

Submission:

Broad Center for Mendelian Genomics, Broad Institute of MIT and Harvard
Classification: Pathogenic for Intellectual developmental disorder, autosomal dominant 22. Last evaluated: 2023-08-24. Review status: criteria provided, single submitter. Criteria: ACMG/ClinGen CNV Guidelines, 2019. Collection method: research. Allele origin: de novo. Inheritance: Autosomal dominant inheritance. Affected: yes.
Comment: A confirmed de novo heterozygous deletion of 1q43-q44 encompassing 43 genes was identified by exome sequencing and confirmed by qPCR in one individual with chromosome 1q43-q44 deletion syndrome ([GRCh38] chr1:235215476_247005888x1)(PMID: 24098143). These breakpoints have been estimated by qPCR and therefore may not reflect the true breakpoints. The patient phenotype is nonspecific, but is consistent with cases described in the literature and/or published databases with overlapping variants. There is complete overlap with the FH and ZBTB18 genes which are known to be haploinsufficient and have been assessed by the ClinGen Dosage Sensitivity Working Group. In summary, the 1q43-q44 deletion meets criteria to be classified as pathogenic. The ACMG/ClinGen evidence codes and points used in this curation are as follows: 1: 0 points, 2: 1.00 points, 3: 0.90 points, 4-5: 0.15 points; Total: 2.05 points; Riggs 2020 (PMID: 31690835)

Literature cited by the submitters: PubMed 24098143.